The following is an entry in ClinVar:

ClinVar aggregate classification (germline): Pathogenic (1 of 4 stars; one submission).

Conditions:
Alkaptonuria (AKU). Also called: HOMOGENTISIC ACID OXIDASE DEFICIENCY; Alcaptonuria; Homogentisic acidura; Alkaptonuric ochronosis. Identifiers: Orphanet 56, MedGen C0002066, MONDO:0008753, OMIM 203500.

Submission:

Myriad Genetics, Inc.
Classification: Pathogenic for Alkaptonuria. Last evaluated: 2025-11-14. Review status: criteria provided, single submitter. Criteria: Myriad Autosomal Dominant, Autosomal Recessive and X-Linked Classification Criteria (2023). Collection method: clinical testing. Allele origin: unknown.
Comment: NM_000187.3(HGD):c.77dupC(E27Rfs*5) is expected to be pathogenic in the context of alkaptonuria. This variant is predicted to lead to an abnormal or absent protein product due to the creation of a premature termination codon in HGD, a gene where loss-of-function variants are known to be pathogenic. Please note: this variant was assessed in the context of healthy population screening.

NM_000187.4(HGD):c.77dup (p.Glu27fs)

Gene: HGD (homogentisate 1,2-dioxygenase; minus strand). Cytogenetic location: 3q13.33.
Variant type: Duplication.
Coding change: c.77dup on transcript NM_000187.4 (MANE Select); coding-DNA position 77, one base duplicated (C; older notation c.77dupC).
Protein change: p.Glu27fs; shifts the reading frame from glutamic acid 27.
Molecular consequence: frameshift variant.
Genome position (GRCh38, 1-based): chr3:120,675,802, G duplicated on the plus strand (C on the coding strand, the reverse complement: HGD is on the minus strand); the first of 2 consecutive G bases (chr3:120,675,802-120,675,803); duplicating either gives the same sequence. VCF-style (leftmost placement, unchanged base first): chr3-120675801-T-TG. GRCh37 (hg19) VCF-style: chr3-120394648-T-TG.
Other names: short protein forms E27fs.
Identifiers: ClinVar variation 5015220 (VCV005015220.1).